The following is an entry in ClinVar:

NM_002519.3(NPAT):c.4093A>G (p.Ser1365Gly)

Gene: NPAT (nuclear protein, coactivator of histone transcription; minus strand). Cytogenetic location: 11q22.3.
Variant type: single nucleotide variant.
Coding change: c.4093A>G on transcript NM_002519.3 (MANE Select); coding-DNA position 4093, A replaced by G.
Protein change: p.Ser1365Gly; replaces serine 1365 with glycine.
Molecular consequence: missense variant.
Genome position (GRCh38, 1-based): chr11:108,160,993, T>C on the plus strand (A>G on the coding strand, the complement: NPAT is on the minus strand). VCF-style: chr11-108160993-T-C. GRCh37 (hg19) VCF-style: chr11-108031720-T-C.
Other names: c.4114A>G, p.Ser1372Gly (NM_001321307.1); short protein forms S1365G, S1372G.
Identifiers: ClinVar variation 3222620 (VCV003222620.1), dbSNP rs2496693294, ClinGen allele CA382509387.
Genomic context (GRCh38, chr11:108,160,993, plus strand): 5'-AAGGACGAGAGTTTCGCTCACGTTCATCTAATTCCTCAATTTTCCGCTTTTTTGTGGTGC[T>C]CCTTGAAGATGCTCTAAACTGTTGTGTGTTATCTTTCAGAGGAGTTGCTGAAGTAGTCCT-3'
Protein context (NP_002510.2, residues 1355-1375): NTQQFRASSR[Ser1365Gly]TTKKRKIEEL

ClinVar aggregate classification (germline): Uncertain significance (1 of 4 stars; one submission).

Submission:

Ambry Genetics
Classification: Uncertain significance. Last evaluated: 2023-10-08. Review status: criteria provided, single submitter. Criteria: Ambry Variant Classification Scheme 2023. Collection method: clinical testing. Allele origin: germline.
Comment: The p.S1365G variant (also known as c.4093A>G), located in coding exon 17 of the NPAT gene, results from an A to G substitution at nucleotide position 4093. The serine at codon 1365 is replaced by glycine, an amino acid with similar properties. This amino acid position is conserved. In addition, this alteration is predicted to be tolerated by in silico analysis. Since supporting evidence is limited at this time, the clinical significance of this alteration remains unclear.